The following is an entry in ClinVar:

NM_007327.4(GRIN1):c.1113+3A>T

Gene: GRIN1 (glutamate ionotropic receptor NMDA type subunit 1; plus strand). Cytogenetic location: 9q34.3.
Variant type: single nucleotide variant.
Coding change: c.1113+3A>T on transcript NM_007327.4 (MANE Select); 3 bases into the intron after coding-DNA position 1113, A replaced by T.
Molecular consequence: intron variant.
Genome position (GRCh38, 1-based): chr9:137,158,526, A>T. VCF-style: chr9-137158526-A-T. GRCh37 (hg19) VCF-style: chr9-140052978-A-T.
Other names: c.1176+3A>T (NM_001185090.2, NM_001185091.2); c.1113+3A>T (NM_021569.4, NM_000832.7).
Identifiers: ClinVar variation 2671660 (VCV002671660.1), dbSNP rs2538609016, ClinGen allele CA2579528679.
Genomic context (GRCh38, chr9:137,158,526, plus strand): 5'-CATCATGAACCTGCAGAACCGCAAGCTGGTGCAAGTGGGCATCTACAATGGCACCCACGT[A>T]GGTGGGGGTCATGAGGGGGTGGGGGCTGGGGCCTTAGGGTCCTGGGGCCAAGACCCCTGC-3'

ClinVar aggregate classification (germline): Uncertain significance (1 of 4 stars; one submission).

Conditions:
Neurodevelopmental disorder with or without hyperkinetic movements and seizures, autosomal dominant. Also called: Intellectual disability, autosomal dominant 8. Identifiers: MedGen C3280282, MONDO:0013655, OMIM 614254.

Submission:

Neuberg Centre For Genomic Medicine, NCGM
Classification: Uncertain significance for Neurodevelopmental disorder with or without hyperkinetic movements and seizures, autosomal dominant. Last evaluated: 2023-02-14. Review status: criteria provided, single submitter. Criteria: ACMG Guidelines, 2015. Collection method: clinical testing. Allele origin: germline. Inheritance: Autosomal dominant inheritance. Affected: yes.
Comment: The missense c.1113+3A>T variant in GRIN1 gene has not been reported previously as a pathogenic variant nor as a benign variant, to our knowledge. The c.1113+3A>T variant is novel (not in any individuals) in gnomAD Exomes and 1000 Genomes. This variant has not been reported to the ClinVar database. For these reasons, this variant has been classified as Variant of Uncertain Significance (VUS).